The following is an entry in ClinVar:

ClinVar aggregate classification (germline): Conflicting classifications of pathogenicity. Review status: criteria provided, conflicting classifications (1 of 4 stars). 5 submissions from 5 submitters: Pathogenic (1); Likely pathogenic (1); Uncertain significance (2). 1 of the submissions does not count toward it. Last evaluated 2025-06-12.

Conditions:
Marfan syndrome (MFS). Also called: MARFAN SYNDROME, TYPE I; FBN1-Related Marfan Syndrome; Marfan syndrome type 1; Marfan's syndrome; Marfan syndrome, classic. Identifiers: Orphanet 284963, Orphanet 558, MedGen C0024796, MONDO:0007947, OMIM 154700.
Familial thoracic aortic aneurysm and aortic dissection (TAAD). Also called: Thoracic aortic aneurysms and dissections. Identifiers: Orphanet 91387, MedGen C4707243, MONDO:0019625.

Allele frequency attached by ClinVar (database versions not stated): TOPMed below 0.00001; gnomAD 0.00001.
gnomAD v4.1: 1 of 1,614,022 alleles (0.000062%); highest among the groups gnomAD compares: Non-Finnish European, 0.000085%; no homozygotes.

Submissions (5):

GeneDx
Classification: Uncertain significance. Last evaluated: 2025-06-12. Review status: criteria provided, single submitter. Criteria: GeneDx Variant Classification Process June 2021. Collection method: clinical testing. Allele origin: germline. Affected: yes.
Comment: Not observed at significant frequency in large population cohorts (gnomAD); In silico analysis supports that this missense variant has a deleterious effect on protein structure/function; This variant is associated with the following publications: (PMID: 35058154)

Labcorp Genetics (formerly Invitae), Labcorp
Classification: Pathogenic for Marfan syndrome; Familial thoracic aortic aneurysm and aortic dissection. Last evaluated: 2024-11-03. Review status: criteria provided, single submitter. Criteria: Invitae Variant Classification Sherloc (09022015). Collection method: clinical testing. Allele origin: germline.
Comment: This sequence change replaces glycine, which is neutral and non-polar, with arginine, which is basic and polar, at codon 1011 of the FBN1 protein (p.Gly1011Arg). This variant is present in population databases (no rsID available, gnomAD 0.007%). This missense change has been observed in individuals with Marfan syndrome (internal data). It has also been observed to segregate with disease in related individuals. ClinVar contains an entry for this variant (Variation ID: 457186). Invitae Evidence Modeling of protein sequence and biophysical properties (such as structural, functional, and spatial information, amino acid conservation, physicochemical variation, residue mobility, and thermodynamic stability) indicates that this missense variant is expected to disrupt FBN1 protein function with a positive predictive value of 95%. For these reasons, this variant has been classified as Pathogenic.

Centre of Medical Genetics, University of Antwerp
Classification: Likely pathogenic for Marfan syndrome. Last evaluated: 2021-03-01. Review status: criteria provided, single submitter. Criteria: Submitter's publication. Collection method: research. Allele origin: unknown. Affected: yes.
Comment: PM2, PS1, PP4

CHEO Genetics Diagnostic Laboratory, Children's Hospital of Eastern Ontario
Classification: Uncertain significance for Familial thoracic aortic aneurysm and aortic dissection. Last evaluated: 2017-07-10. Review status: criteria provided, single submitter. Criteria: ACMG Guidelines, 2015. Collection method: clinical testing. Allele origin: germline. Study: Canadian Open Genetics Repository.

Center for Medical Genetics Ghent, University of Ghent
Classification: Uncertain significance for Marfan syndrome. Last evaluated: 2017-11-07. Review status: no assertion criteria provided. Collection method: clinical testing. Allele origin: germline. Affected: yes. Not counted in ClinVar's aggregate classification.

NM_000138.5(FBN1):c.3031G>A (p.Gly1011Arg)

Gene: FBN1 (fibrillin 1; minus strand). Cytogenetic location: 15q21.1.
Variant type: single nucleotide variant.
Coding change: c.3031G>A on transcript NM_000138.5 (MANE Select); coding-DNA position 3031, G replaced by A.
Protein change: p.Gly1011Arg; replaces glycine 1011 with arginine.
Molecular consequence: missense variant.
Genome position (GRCh38, 1-based): chr15:48,489,902, C>T on the plus strand (G>A on the coding strand, the complement: FBN1 is on the minus strand). VCF-style: chr15-48489902-C-T. GRCh37 (hg19) VCF-style: chr15-48782099-C-T.
Other names: short protein forms G1011R.
Identifiers: ClinVar variation 457186 (VCV000457186.28), dbSNP rs1267721327, ClinGen allele CA392328982.